The following is an entry in ClinVar:

NM_001127649.3(PEX26):c.239A>T (p.Glu80Val)

Gene: PEX26 (peroxisomal biogenesis factor 26; plus strand). Cytogenetic location: 22q11.21.
Variant type: single nucleotide variant.
Coding change: c.239A>T on transcript NM_001127649.3 (MANE Select); coding-DNA position 239, A replaced by T.
Protein change: p.Glu80Val; replaces glutamic acid 80 with valine.
Molecular consequence: missense variant.
Genome position (GRCh38, 1-based): chr22:18,079,882, A>T. VCF-style: chr22-18079882-A-T. GRCh37 (hg19) VCF-style: chr22-18562648-A-T.
Other names: c.239A>T, p.Glu80Val (NM_001199319.2, NM_017929.6); short protein forms E80V.
Identifiers: ClinVar variation 846464 (VCV000846464.6), dbSNP rs748579402, ClinGen allele CA10093277.

ClinVar aggregate classification (germline): Uncertain significance. Review status: criteria provided, multiple submitters, no conflicts (2 of 4 stars). 2 submissions from 2 submitters: Uncertain significance (2). Last evaluated 2024-08-28.

Conditions:
Peroxisome biogenesis disorder 7B (PBD7B). Identifiers: Orphanet 44, MedGen C3553951, MONDO:0013939, OMIM 614873.
Peroxisome biogenesis disorder 7A (Zellweger). Also called: Peroxisome biogenesis disorder 7A. Identifiers: Orphanet 912, MedGen C3888385, MONDO:0013938, OMIM 614872.
Inborn genetic diseases. Identifiers: MedGen C0950123, MeSH D030342.

Allele frequency attached by ClinVar (database versions not stated): gnomAD exomes below 0.00001; ExAC 0.00001; gnomAD 0.00005 and 0.00006; TOPMed 0.00015.

Submissions (2):

Ambry Genetics
Classification: Uncertain significance for Inborn genetic diseases. Last evaluated: 2024-08-28. Review status: criteria provided, single submitter. Criteria: Ambry Variant Classification Scheme 2023. Collection method: clinical testing. Allele origin: germline.

Labcorp Genetics (formerly Invitae), Labcorp
Classification: Uncertain significance for Peroxisome biogenesis disorder 7A (Zellweger); Peroxisome biogenesis disorder 7B. Last evaluated: 2022-08-16. Review status: criteria provided, single submitter. Criteria: Invitae Variant Classification Sherloc (09022015). Collection method: clinical testing. Allele origin: germline.
Comment: This sequence change replaces glutamic acid, which is acidic and polar, with valine, which is neutral and non-polar, at codon 80 of the PEX26 protein (p.Glu80Val). This variant is present in population databases (rs748579402, gnomAD no frequency). This variant has not been reported in the literature in individuals affected with PEX26-related conditions. ClinVar contains an entry for this variant (Variation ID: 846464). Algorithms developed to predict the effect of missense changes on protein structure and function (SIFT, PolyPhen-2, Align-GVGD) all suggest that this variant is likely to be disruptive. In summary, the available evidence is currently insufficient to determine the role of this variant in disease. Therefore, it has been classified as a Variant of Uncertain Significance.